The following is an entry in ClinVar:

ClinVar aggregate classification (germline): Uncertain significance (1 of 4 stars; one submission).

Conditions:
Dilated cardiomyopathy 1J (CMD1J). Also called: CARDIOMYOPATHY, DILATED, WITH SENSORINEURAL HEARING LOSS, AUTOSOMAL DOMINANT. Identifiers: Orphanet 217622, MedGen C1854368, MONDO:0011541, OMIM 605362.

Allele frequency attached by ClinVar (database versions not stated): gnomAD exomes below 0.00001.
gnomAD v4.1: 1 of 1,613,258 alleles (0.000062%); highest among the groups gnomAD compares: Non-Finnish European, 0.000085%; no homozygotes.

Submission:

Labcorp Genetics (formerly Invitae), Labcorp
Classification: Uncertain significance for Dilated cardiomyopathy 1J. Last evaluated: 2022-05-25. Review status: criteria provided, single submitter. Criteria: Invitae Variant Classification Sherloc (09022015). Collection method: clinical testing. Allele origin: germline.
Comment: This sequence change falls in intron 8 of the EYA4 gene. It does not directly change the encoded amino acid sequence of the EYA4 protein. It affects a nucleotide within the consensus splice site. In summary, the available evidence is currently insufficient to determine the role of this variant in disease. Therefore, it has been classified as a Variant of Uncertain Significance. Variants that disrupt the consensus splice site are a relatively common cause of aberrant splicing (PMID: 17576681, 9536098). Algorithms developed to predict the effect of sequence changes on RNA splicing suggest that this variant is not likely to affect RNA splicing. This variant has not been reported in the literature in individuals affected with EYA4-related conditions. This variant is not present in population databases (gnomAD no frequency).

Literature cited by the submitters: PubMed 17576681; PubMed 9536098.

NM_004100.5(EYA4):c.580+4T>C

Gene: EYA4 (EYA transcriptional coactivator and phosphatase 4; plus strand). Cytogenetic location: 6q23.2.
Variant type: single nucleotide variant.
Coding change: c.580+4T>C on transcript NM_004100.5 (MANE Select); 4 bases into the intron after coding-DNA position 580, T replaced by C.
Molecular consequence: intron variant.
Genome position (GRCh38, 1-based): chr6:133,462,481, T>C. VCF-style: chr6-133462481-T-C. GRCh37 (hg19) VCF-style: chr6-133783619-T-C.
Other names: c.580+4T>C (NM_001301013.2, NM_172105.4); c.511+4T>C (NM_001370458.1, NM_172103.4); c.418+4T>C (NM_001370459.1, NM_001301012.2).
Identifiers: ClinVar variation 1995248 (VCV001995248.4), dbSNP rs2534562891, ClinGen allele CA2580075092.